The following is an entry in ClinVar:

NM_001001557.4(GDF6):c.407-3C>T

Gene: GDF6 (growth differentiation factor 6; minus strand). Cytogenetic location: 8q22.1.
Variant type: single nucleotide variant.
Coding change: c.407-3C>T on transcript NM_001001557.4 (MANE Select); 3 bases into the intron before coding-DNA position 407, C replaced by T.
Molecular consequence: intron variant.
Genome position (GRCh38, 1-based): chr8:96,145,527, G>A on the plus strand (C>T on the coding strand, the complement: GDF6 is on the minus strand). VCF-style: chr8-96145527-G-A. GRCh37 (hg19) VCF-style: chr8-97157755-G-A.
Other names: c.407-3C>T (NM_001001557.3).
Identifiers: ClinVar variation 1094356 (VCV001094356.9), dbSNP rs374740957, ClinGen allele CA4815462.
Genomic context (GRCh38, chr8:96,145,527, plus strand): 5'-AGCATGGACACATCAAACAAATACTTCTGTCTCCGGAGAGGAGTGTGCGAGAGATCGTCT[G>A]CGAGATAAAAAATAATTACAGTCAGTTTCACTTAAGGGGGAGATCAGCCCGGTGCTCTTC-3'

ClinVar aggregate classification (germline): Conflicting classifications of pathogenicity. Review status: criteria provided, conflicting classifications (1 of 4 stars). 3 submissions from 3 submitters: Uncertain significance (1); Likely benign (2). Last evaluated 2026-08-13.

Conditions:
GDF6-related disorder. Also called: GDF6-related condition.
Isolated microphthalmia 4. Identifiers: Orphanet 2542, MedGen C2751307, MONDO:0013130, OMIM 613094.
Microphthalmia, isolated, with coloboma 6 (MCOPCB6). Also called: Microphthalmia with coloboma 6, digenic; Microphthalmia with coloboma 6; MICROPHTHALMIA/COLOBOMA 6. Identifiers: Orphanet 98938, MedGen C3150968, MONDO:0013376, OMIM 613703.
Leber congenital amaurosis 17 (LCA17). Identifiers: Orphanet 65, MedGen C3715164, MONDO:0014145, OMIM 615360.
Klippel-Feil syndrome 1, autosomal dominant (KFS1). Also called: CERVICAL VERTEBRAL FUSION, AUTOSOMAL DOMINANT. Identifiers: Orphanet 2345, MedGen C1861689, MONDO:0007306, OMIM 118100.

Allele frequency attached by ClinVar (database versions not stated): gnomAD exomes 0.00002 and 0.00006; ExAC 0.00006; gnomAD 0.00026; ESP Exome Variant Server 0.00031; TOPMed 0.00037; 1000 Genomes Project 0.00060; 1000 Genomes Project 30x 0.00062.
gnomAD v4.1: 62 of 1,597,820 alleles (0.0039%); highest among the groups gnomAD compares: African/African-American, 0.076%; no homozygotes.

Submissions (3):

PreventionGenetics, part of Exact Sciences
Classification: Likely benign for GDF6-related condition. Last evaluated: 2026-08-13. Review status: criteria provided, single submitter. Criteria: ACMG Guidelines, 2015. Collection method: clinical testing. Allele origin: germline.
Comment: This variant is classified as likely benign based on ACMG/AMP sequence variant interpretation guidelines (Richards et al. 2015 PMID: 25741868, with internal and published modifications).

Women's Health and Genetics/Laboratory Corporation of America, LabCorp
Classification: Uncertain significance. Last evaluated: 2026-03-16. Review status: criteria provided, single submitter. Criteria: LabCorp Variant Classification Summary - May 2015. Collection method: clinical testing. Allele origin: germline.
Comment: Variant summary: GDF6 c.407-3C>T alters a nucleotide located close to a canonical splice site and therefore could affect mRNA splicing, leading to a significantly altered protein sequence. Consensus agreement among computation tools predict no significant impact on normal splicing. However, these predictions have yet to be confirmed by functional studies. The variant allele was found at a frequency of 6.5e-05 in 230858 control chromosomes. This frequency is not significantly higher than estimated for disease-causing variants in GDF6, allowing no conclusion about variant significance. To our knowledge, no occurrence of c.407-3C>T in individuals affected with GDF6-related conditions and no experimental evidence demonstrating its impact on protein function have been reported. ClinVar contains an entry for this variant (Variation ID: 1094356). Based on the evidence outlined above, the variant was classified as uncertain significance.

Labcorp Genetics (formerly Invitae), Labcorp
Classification: Likely benign for Isolated microphthalmia 4; Leber congenital amaurosis 17; Klippel-Feil syndrome 1, autosomal dominant; Microphthalmia, isolated, with coloboma 6. Last evaluated: 2025-11-24. Review status: criteria provided, single submitter. Criteria: Invitae Variant Classification Sherloc (09022015). Collection method: clinical testing. Allele origin: germline.